The following is an entry in ClinVar:

ClinVar aggregate classification (germline): Pathogenic. Review status: criteria provided, multiple submitters, no conflicts (2 of 4 stars). 3 submissions from 3 submitters: Pathogenic (2). 1 of the submissions does not count toward it. Last evaluated 2025-02-26.

Conditions:
CRB1-related disorder. Also called: CRB1-related disorders; CRB1-related condition.
Retinitis pigmentosa 12 (RP12). Also called: RP WITH OR WITHOUT PRESERVED PARAARTERIOLE RETINAL PIGMENT EPITHELIUM; RETINITIS PIGMENTOSA WITH OR WITHOUT PARAARTERIOLAR PRESERVATION OF RETINAL PIGMENT EPITHELIUM; RP WITH OR WITHOUT PPRPE. Identifiers: Orphanet 791, MedGen C1838647, MONDO:0010818, OMIM 600105.
Leber congenital amaurosis 8 (LCA8). Identifiers: Orphanet 65, MedGen C3151202, MONDO:0013453, OMIM 613835.

Submissions (3):

Labcorp Genetics (formerly Invitae), Labcorp
Classification: Pathogenic for Leber congenital amaurosis 8; Retinitis pigmentosa 12. Last evaluated: 2025-02-26. Review status: criteria provided, single submitter. Criteria: Invitae Variant Classification Sherloc (09022015). Collection method: clinical testing. Allele origin: germline.
Comment: This sequence change creates a premature translational stop signal (p.Cys1229*) in the CRB1 gene. It is expected to result in an absent or disrupted protein product. Loss-of-function variants in CRB1 are known to be pathogenic (PMID: 10508521, 22065545, 23379534, 25412400, 26957898, 28041643, 29391521). This variant is not present in population databases (gnomAD no frequency). This premature translational stop signal has been observed in individual(s) with autosomal recessive Leber congenital amaurosis (PMID: 23847139). ClinVar contains an entry for this variant (Variation ID: 2925308). For these reasons, this variant has been classified as Pathogenic.

Blueprint Genetics
Classification: Pathogenic for CRB1-related disorders. Last evaluated: 2021-02-10. Review status: criteria provided, single submitter. Criteria: ACMG Guidelines, 2015. Collection method: clinical testing. Allele origin: germline. Affected: yes. Observed: 1 variant allele.

PreventionGenetics, part of Exact Sciences
Classification: Pathogenic for CRB1-related condition. Last evaluated: 2024-04-05. Review status: no assertion criteria provided. Collection method: clinical testing. Allele origin: germline. Not counted in ClinVar's aggregate classification.
Comment: The CRB1 c.3687C>A variant is predicted to result in premature protein termination (p.Cys1229*). This variant has been reported in the homozygous state in an individual with Leber congenital amaurosis (Wang et al. 2013. PubMed ID: 23847139). This variant has not been reported in a large population database, indicating this variant is rare. Nonsense variants in CRB1 are expected to be pathogenic. Given the evidence, we interpret this variant as pathogenic.

Literature cited by the submitters: PubMed 10508521 (cited by Labcorp Genetics (formerly Invitae), Labcorp); PubMed 22065545 (cited by Labcorp Genetics (formerly Invitae), Labcorp); PubMed 23379534 (cited by Labcorp Genetics (formerly Invitae), Labcorp); PubMed 25412400 (cited by Labcorp Genetics (formerly Invitae), Labcorp); PubMed 26957898 (cited by Labcorp Genetics (formerly Invitae), Labcorp); PubMed 28041643 (cited by Labcorp Genetics (formerly Invitae), Labcorp); PubMed 29391521 (cited by Labcorp Genetics (formerly Invitae), Labcorp); PubMed 23847139 (cited by Labcorp Genetics (formerly Invitae), Labcorp).

NM_201253.3(CRB1):c.3687C>A (p.Cys1229Ter)

Gene: CRB1 (crumbs cell polarity complex component 1; plus strand). Cytogenetic location: 1q31.3.
Variant type: single nucleotide variant.
Coding change: c.3687C>A on transcript NM_201253.3 (MANE Select); coding-DNA position 3687, C replaced by A.
Protein change: p.Cys1229Ter; replaces cysteine 1229 with a stop codon.
Molecular consequence: nonsense. On other transcripts: non-coding transcript variant (2), intron variant (1).
Genome position (GRCh38, 1-based): chr1:197,435,550, C>A. VCF-style: chr1-197435550-C-A. GRCh37 (hg19) VCF-style: chr1-197404680-C-A.
Other names: c.3351C>A, p.Cys1117Ter (NM_001193640.2); c.3615C>A, p.Cys1205Ter (NM_001257965.2); c.2129-50C>A (NM_001257966.2); c.3687C>A (NM_201253.2); short protein forms C1117*, C1229*, C1205*.
Identifiers: ClinVar variation 2925308 (VCV002925308.6), dbSNP rs2528205083, ClinGen allele CA344050438.